The following is an entry in ClinVar:

NM_015512.5(DNAH1):c.2241C>A (p.Tyr747Ter)

Gene: DNAH1 (dynein axonemal heavy chain 1; plus strand). Cytogenetic location: 3p21.1.
Variant type: single nucleotide variant.
Coding change: c.2241C>A on transcript NM_015512.5 (MANE Select); coding-DNA position 2241, C replaced by A.
Protein change: p.Tyr747Ter; replaces tyrosine 747 with a stop codon.
Molecular consequence: nonsense.
Genome position (GRCh38, 1-based): chr3:52,349,022, C>A. VCF-style: chr3-52349022-C-A. GRCh37 (hg19) VCF-style: chr3-52383038-C-A.
Other names: short protein forms Y747*.
Identifiers: ClinVar variation 4885580 (VCV004885580.2).

ClinVar aggregate classification (germline): Likely pathogenic (1 of 4 stars; one submission).

gnomAD v4.1: 94 of 1,612,984 alleles (0.0058%); highest among the groups gnomAD compares: Non-Finnish European, 0.0075%; no homozygotes.

Submission:

Dasa
Classification: Likely pathogenic. Last evaluated: 2025-09-01. Review status: criteria provided, single submitter. Criteria: DASA Assertion Criteria. Collection method: clinical testing. Allele origin: germline.
Comment: NM_015512.5(DNAH1):c.2241C>A (p.Tyr747*) is a nonsense variant in DNAH1 predicted to introduce a premature termination codon and is predicted to result in an absent or altered protein product. Loss of function is an established disease mechanism for DNAH1-associated disorders. Also, this variant is rare in population databases. Based on the currently available evidence, this variant is classified as likely pathogenic.